The following is an entry in ClinVar:

ClinVar aggregate classification (germline): Uncertain significance (1 of 4 stars; one submission).

Submission:

GeneDx
Classification: Uncertain significance. Last evaluated: 2020-03-07. Review status: criteria provided, single submitter. Criteria: GeneDx Variant Classification Process June 2021. Collection method: clinical testing. Allele origin: germline. Affected: yes.
Comment: Not observed in large population cohorts (Lek et al., 2016); In silico analysis supports that this missense variant does not alter protein structure/function; Has not been previously published as pathogenic or benign to our knowledge

NM_014225.6(PPP2R1A):c.1550C>G (p.Thr517Ser)

Genes: PPP2R1A (protein phosphatase 2 scaffold subunit Aalpha; plus strand), LOC126862924 (BRD4-independent group 4 enhancer GRCh37_chr19:52724813-52726012; plus strand). Cytogenetic location: 19q13.41.
Variant type: single nucleotide variant.
Coding change: c.1550C>G on transcript NM_014225.6 (MANE Select); coding-DNA position 1550, C replaced by G.
Protein change: p.Thr517Ser; replaces threonine 517 with serine.
Molecular consequence: missense variant. On other transcripts: non-coding transcript variant (1).
Genome position (GRCh38, 1-based): chr19:52,222,130, C>G. VCF-style: chr19-52222130-C-G. GRCh37 (hg19) VCF-style: chr19-52725383-C-G.
Other names: c.1013C>G, p.Thr338Ser (NM_001363656.2); short protein forms T338S, T517S.
Identifiers: ClinVar variation 1313885 (VCV001313885.2), dbSNP rs2122369413, ClinGen allele CA407154239.
Genomic context (GRCh38, chr19:52,222,130, plus strand): 5'-ACTCACCCCTGCCACTCACTGGCCCCCAGGTGCTGTCTGAGGTCTGTGGGCAGGACATCA[C>G]CACCAAGCACATGCTACCCACGGTTCTGCGCATGGCTGGGGACCCGGTTGCCAATGTCCG-3'
Protein context (NP_055040.2, residues 507-527): VLSEVCGQDI[Thr517Ser]TKHMLPTVLR